The following is an entry in ClinVar:

ClinVar aggregate classification (germline): Pathogenic (1 of 4 stars; one submission).

Submission:

GeneDx
Classification: Pathogenic. Last evaluated: 2016-08-30. Review status: criteria provided, single submitter. Criteria: GeneDx Variant Classification (06012015). Collection method: clinical testing. Allele origin: germline. Affected: yes.
Comment: The c.907_913delTTACTAA pathogenic variant in the KRIT1 gene is predicted to cause loss of normal protein function either through protein truncation or nonsense-mediated mRNA decay. Although this variant has not been previously reported to our knowledge, we interpret it as pathogenic.

NM_194454.3(KRIT1):c.907_913del (p.Leu303fs)

Gene: KRIT1 (KRIT1 ankyrin repeat containing; minus strand). Cytogenetic location: 7q21.2.
Variant type: Deletion.
Coding change: c.907_913del on transcript NM_194454.3 (MANE Select); coding-DNA positions 907 to 913, 7 bases deleted (TTACTAA; older notation c.907_913delTTACTAA).
Protein change: p.Leu303fs; shifts the reading frame from leucine 303.
Molecular consequence: frameshift variant. On other transcripts: intron variant (3).
Genome position (GRCh38, 1-based): chr7:92,234,525-92,234,531, TTAGTAA deleted on the plus strand (TTACTAA on the coding strand, the reverse complement: KRIT1 is on the minus strand); deleting any 7 consecutive bases within chr7:92,234,525-92,234,533 gives the same sequence; the c. name uses the placement nearest the transcript's 3' end. VCF-style (leftmost placement, unchanged base first): chr7-92234524-CTTAGTAA-C. GRCh37 (hg19) VCF-style: chr7-91863838-CTTAGTAA-C.
Other names: c.193_199del, p.Leu65fs (NM_001350671.1); c.907_913del, p.Leu303fs (NM_001350672.1, NM_001350673.1, NM_001350674.1 and 26 more transcripts); c.845+277_845+283del (NM_001350669.1, NM_001013406.2, NM_001350670.1); c.907_913delTTACTAA (NM_194456.1); short protein forms L303fs, L65fs.
Identifiers: ClinVar variation 372397 (VCV000372397.2), dbSNP rs1057517752, ClinGen allele CA16042733.